The following is an entry in ClinVar:

ClinVar aggregate classification (germline): Uncertain significance (1 of 4 stars; one submission).

Allele frequency attached by ClinVar (database versions not stated): gnomAD exomes below 0.00001; TOPMed 0.00001.
gnomAD v4.1: 1 of 1,529,624 alleles (0.000065%); highest among the groups gnomAD compares: Admixed American, 0.002%; no homozygotes.

Submission:

Labcorp Genetics (formerly Invitae), Labcorp
Classification: Uncertain significance. Last evaluated: 2022-02-18. Review status: criteria provided, single submitter. Criteria: Invitae Variant Classification Sherloc (09022015). Collection method: clinical testing. Allele origin: germline.
Comment: This sequence change replaces alanine, which is neutral and non-polar, with serine, which is neutral and polar, at codon 18 of the SIX5 protein (p.Ala18Ser). This variant is present in population databases (no rsID available, gnomAD 0.004%). This variant has not been reported in the literature in individuals affected with SIX5-related conditions. Algorithms developed to predict the effect of missense changes on protein structure and function are either unavailable or do not agree on the potential impact of this missense change (SIFT: "Tolerated"; PolyPhen-2: "Not Available"; Align-GVGD: "Class C0"). In summary, the available evidence is currently insufficient to determine the role of this variant in disease. Therefore, it has been classified as a Variant of Uncertain Significance.

NM_175875.5(SIX5):c.52G>T (p.Ala18Ser)

Genes: DM1-AS (DM1 locus antisense RNA; plus strand), SIX5 (SIX homeobox 5; minus strand), LOC107075317 (origin of replication in DMPK trinucleotide repeat region; plus strand). Cytogenetic location: 19q13.32.
Variant type: single nucleotide variant.
Coding change: c.52G>T on transcript NM_175875.5 (MANE Select); coding-DNA position 52, G replaced by T.
Protein change: p.Ala18Ser; replaces alanine 18 with serine.
Molecular consequence: missense variant.
Genome position (GRCh38, 1-based): chr19:45,768,793, C>A on the plus strand (G>T on the coding strand, the complement: SIX5 is on the minus strand). VCF-style: chr19-45768793-C-A. GRCh37 (hg19) VCF-style: chr19-46272051-C-A.
Other names: short protein forms A18S.
Identifiers: ClinVar variation 2026740 (VCV002026740.4), dbSNP rs1187478491, ClinGen allele CA406424848.